The following is an entry in ClinVar:

ClinVar aggregate classification (germline): Uncertain significance. Review status: criteria provided, multiple submitters, no conflicts (2 of 4 stars). 3 submissions from 3 submitters: Uncertain significance (3). Last evaluated 2023-10-02.

Conditions:
Malignant hyperthermia, susceptibility to, 1 (MHS1). Also called: RYR1-Related Malignant Hyperthermia Susceptibility; Anesthesia related hyperthermia; Malignant hyperpyrexia; Fulminating hyperpyrexia; Pharmacogenic myopathy; Malignant hyperthermia suceptibility 1. Identifiers: Orphanet 423, MedGen C2930980, MONDO:0007783, OMIM 145600.

Allele frequency attached by ClinVar (database versions not stated): TOPMed below 0.00001.

Submissions (3):

All of Us Research Program, National Institutes of Health
Classification: Uncertain significance for Malignant hyperthermia, susceptibility to, 1. Last evaluated: 2023-10-02. Review status: criteria provided, single submitter. Criteria: ACMG Guidelines, 2015. Collection method: clinical testing. Allele origin: germline. Inheritance: Autosomal dominant inheritance. Observed: 1 variant allele, 1 heterozygote.
Comment: This missense variant replaces histidine with tyrosine at codon 1639 of the RYR1 protein. Computational prediction suggests that this variant may have deleterious impact on protein structure and function (internally defined REVEL score threshold >= 0.7, PMID: 27666373). To our knowledge, functional studies have not been reported for this variant. This variant has not been reported in individuals affected with RYR1-related disorders in the literature. This variant has not been identified in the general population by the Genome Aggregation Database (gnomAD). The available evidence is insufficient to determine the role of this variant in disease conclusively. Therefore, this variant is classified as a Variant of Uncertain Significance.

This study involves interpretation of variants in research participants for the purpose of population health screening. Participant phenotype was not available at the time of variant classification. Additional details can be found in publication PMID: 35346344, PMCID: PMC8962531

Color Diagnostics, LLC DBA Color Health
Classification: Uncertain significance for Malignant hyperthermia, susceptibility to, 1. Last evaluated: 2023-09-13. Review status: criteria provided, single submitter. Criteria: ACMG Guidelines, 2015. Collection method: clinical testing. Allele origin: germline.
Comment: This missense variant replaces histidine with tyrosine at codon 1639 of the RYR1 protein. Computational prediction suggests that this variant may have deleterious impact on protein structure and function (internally defined REVEL score threshold >= 0.7, PMID: 27666373). To our knowledge, functional studies have not been reported for this variant. This variant has not been reported in individuals affected with RYR1-related disorders in the literature. This variant has not been identified in the general population by the Genome Aggregation Database (gnomAD). The available evidence is insufficient to determine the role of this variant in disease conclusively. Therefore, this variant is classified as a Variant of Uncertain Significance.

CeGaT Center for Human Genetics Tuebingen
Classification: Uncertain significance. Last evaluated: 2019-11-01. Review status: criteria provided, single submitter. Criteria: CeGaT Center For Human Genetics Tuebingen Variant Classification Criteria Version 2. Collection method: clinical testing. Allele origin: germline. Affected: yes. Observed: 1 variant allele.

NM_000540.3(RYR1):c.4915C>T (p.His1639Tyr)

Gene: RYR1 (ryanodine receptor 1; plus strand). Cytogenetic location: 19q13.2.
Variant type: single nucleotide variant.
Coding change: c.4915C>T on transcript NM_000540.3 (MANE Select); coding-DNA position 4915, C replaced by T.
Protein change: p.His1639Tyr; replaces histidine 1639 with tyrosine.
Molecular consequence: missense variant.
Genome position (GRCh38, 1-based): chr19:38,483,497, C>T. VCF-style: chr19-38483497-C-T. GRCh37 (hg19) VCF-style: chr19-38974137-C-T.
Other names: c.4915C>T, p.His1639Tyr (NM_001042723.2); short protein forms H1639Y.
Identifiers: ClinVar variation 872073 (VCV000872073.43), dbSNP rs1969121916, ClinGen allele CA405650998.
Genomic context (GRCh38, chr19:38,483,497, plus strand): 5'-GCCGGCGAGCGGCTGGGCTGGGCCGTGCAGTGCCAGGAGCCGCTGACCATGATGGCGCTG[C>T]ACATCCCCGAGGAGAACCGGTCAGGGCCAGCCCAGCTATGCAGGGGTGGGCAGGTGTTGC-3'
Protein context (NP_000531.2, residues 1629-1649): CQEPLTMMAL[His1639Tyr]IPEENRCMDI